The following is an entry in ClinVar:

ClinVar aggregate classification (germline): Likely pathogenic (1 of 4 stars; one submission).

Submission:

Labcorp Genetics (formerly Invitae), Labcorp
Classification: Likely pathogenic. Last evaluated: 2023-08-08. Review status: criteria provided, single submitter. Criteria: Invitae Variant Classification Sherloc (09022015). Collection method: clinical testing. Allele origin: unknown.
Comment: This variant results in the deletion of part of exon 43 (c.8655_8681+1681del) of the USH2A gene. It is expected to disrupt RNA splicing. Variants that disrupt the donor or acceptor splice site typically lead to a loss of protein function (PMID: 16199547), and loss-of-function variants in USH2A are known to be pathogenic (PMID: 10729113, 10909849, 20507924, 25649381). This variant has been observed in individual(s) with Usher syndrome (Invitae). ClinVar contains an entry for this variant (Variation ID: 862923). In summary, the currently available evidence indicates that the variant is pathogenic, but additional data are needed to prove that conclusively. Therefore, this variant has been classified as Likely Pathogenic.

Literature cited by the submitters: PubMed 16199547; PubMed 10729113; PubMed 10909849; PubMed 20507924; PubMed 25649381.

NC_000001.10:g.(?_216049419)_(216051126_?)del

Gene: USH2A (usherin; minus strand). Cytogenetic location: 1q41.
Variant type: Deletion.
Identifiers: ClinVar variation 3248088 (VCV003248088.1).